The following is an entry in ClinVar:

NC_000019.10:g.(?_49166031)_(49172118_?)del

Gene: TRPM4 (transient receptor potential cation channel subfamily M member 4; plus strand). Cytogenetic location: 19q13.33.
Variant type: Deletion.
Identifiers: ClinVar variation 830965 (VCV000830965.1).

ClinVar aggregate classification (germline): Uncertain significance (1 of 4 stars; one submission).

Conditions:
Progressive familial heart block type IB (PFHB1B). Identifiers: Orphanet 871, MedGen C1970298, MONDO:0011474, OMIM 604559.

Submission:

Labcorp Genetics (formerly Invitae), Labcorp
Classification: Uncertain significance for Progressive familial heart block type 1B. Last evaluated: 2019-05-08. Review status: criteria provided, single submitter. Criteria: Invitae Variant Classification Sherloc (09022015). Collection method: clinical testing. Allele origin: germline.
Comment: This variant is an out-of-frame deletion of the genomic region encompassing exons 3-9 of the TRPM4 gene. This creates a premature translational stop signal and is expected to result in an absent or disrupted protein product. This variant has not been reported in the literature in individuals with a TRPM4-related disease. The current clinical and genetic evidence is not sufficient to establish whether loss-of-function variants in TRPM4 cause disease. In summary, the available evidence is currently insufficient to determine the role of this variant in disease. Therefore, it has been classified as a Variant of Uncertain Significance.